The following is an entry in ClinVar:

ClinVar aggregate classification (germline): Likely benign. Review status: criteria provided, multiple submitters, no conflicts (2 of 4 stars). 5 submissions from 5 submitters: Likely benign (3). 2 of the submissions do not count toward it. Last evaluated 2025-09-10.

Conditions:
Bardet-Biedl syndrome 10 (BBS10). Identifiers: Orphanet 110, MedGen C1859568, MONDO:0014438, OMIM 615987.
BBS10-related disorder. Also called: BBS10-related condition.
Bardet-Biedl syndrome (BBS). Identifiers: Orphanet 110, MedGen C0752166, MONDO:0015229.

Allele frequency attached by ClinVar (database versions not stated): gnomAD exomes 0.00001; TOPMed 0.00001; gnomAD 0.00001.
gnomAD v4.1: 13 of 1,613,702 alleles (0.00081%); highest among the groups gnomAD compares: Non-Finnish European, 0.0011%; no homozygotes.

Submissions (5):

Labcorp Genetics (formerly Invitae), Labcorp
Classification: Likely benign for Bardet-Biedl syndrome. Last evaluated: 2025-09-10. Review status: criteria provided, single submitter. Criteria: Invitae Variant Classification Sherloc (09022015). Collection method: clinical testing. Allele origin: germline.

Blueprint Genetics
Classification: Likely benign. Last evaluated: 2023-08-17. Review status: criteria provided, single submitter. Criteria: ACMG Guidelines, 2015. Collection method: clinical testing. Allele origin: germline.

Fulgent Genetics
Classification: Likely benign for Bardet-Biedl syndrome 10. Last evaluated: 2022-04-08. Review status: criteria provided, single submitter. Criteria: ACMG Guidelines, 2015. Collection method: clinical testing. Allele origin: unknown.

PreventionGenetics, part of Exact Sciences
Classification: Likely benign for BBS10-related condition. Last evaluated: 2021-08-11. Review status: no assertion criteria provided. Collection method: clinical testing. Allele origin: germline. Not counted in ClinVar's aggregate classification.
Comment: This variant is classified as likely benign based on ACMG/AMP sequence variant interpretation guidelines (Richards et al. 2015 PMID: 25741868, with internal and published modifications).

Natera, Inc.
Classification: Likely benign for Bardet-Biedl syndrome type 10. Last evaluated: 2021-03-28. Review status: no assertion criteria provided. Collection method: clinical testing. Allele origin: germline. Not counted in ClinVar's aggregate classification.

NM_024685.4(BBS10):c.2142T>G (p.Val714=)

Gene: BBS10 (Bardet-Biedl syndrome 10; minus strand). Cytogenetic location: 12q21.2.
Variant type: single nucleotide variant.
Coding change: c.2142T>G on transcript NM_024685.4 (MANE Select); coding-DNA position 2142, T replaced by G.
Protein change: p.Val714=; no amino-acid change (valine 714 retained).
Molecular consequence: synonymous variant.
Genome position (GRCh38, 1-based): chr12:76,345,843, A>C on the plus strand (T>G on the coding strand, the complement: BBS10 is on the minus strand). VCF-style: chr12-76345843-A-C. GRCh37 (hg19) VCF-style: chr12-76739623-A-C.
Identifiers: ClinVar variation 700499 (VCV000700499.15), dbSNP rs1463359253, ClinGen allele CA481010440.